The following is an entry in ClinVar:

ClinVar aggregate classification (germline): Uncertain significance (0 of 4 stars; one submission).

Conditions:
UGDH-related disorder. Also called: UGDH-related condition.

gnomAD v4.1: 1 of 1,613,942 alleles (0.000062%); highest among the groups gnomAD compares: Non-Finnish European, 0.000085%; no homozygotes.

Submission:

PreventionGenetics, part of Exact Sciences
Classification: Uncertain significance for UGDH-related condition. Last evaluated: 2024-05-05. Review status: no assertion criteria provided. Collection method: clinical testing. Allele origin: germline.
Comment: The UGDH c.1202C>T variant is predicted to result in the amino acid substitution p.Pro401Leu. To our knowledge, this variant has not been reported in the literature or in a large population database, indicating this variant is rare. At this time, the clinical significance of this variant is uncertain due to the absence of conclusive functional and genetic evidence.

NM_003359.4(UGDH):c.1202C>T (p.Pro401Leu)

Gene: UGDH (UDP-glucose 6-dehydrogenase; minus strand). Cytogenetic location: 4p14.
Variant type: single nucleotide variant.
Coding change: c.1202C>T on transcript NM_003359.4 (MANE Select); coding-DNA position 1202, C replaced by T.
Protein change: p.Pro401Leu; replaces proline 401 with leucine.
Molecular consequence: missense variant.
Genome position (GRCh38, 1-based): chr4:39,504,478, G>A on the plus strand (C>T on the coding strand, the complement: UGDH is on the minus strand). VCF-style: chr4-39504478-G-A. GRCh37 (hg19) VCF-style: chr4-39506098-G-A.
Other names: c.1001C>T, p.Pro334Leu (NM_001184700.2); c.911C>T, p.Pro304Leu (NM_001184701.2); short protein forms P304L, P334L, P401L.
Identifiers: ClinVar variation 3356680 (VCV003356680.1).
Genomic context (GRCh38, chr4:39,504,478, plus strand): 5'-TTAAACATGTCCCACTCAGTGCAAATAACAACAGCATGGGCACCATCACATGCTTCATAT[G>A]GATCCTTGGAAATGGTCACGAGCCGGGACACTGTAACAATAGCAACAACAAAAAAACAGA-3'
Protein context (NP_003350.1, residues 391-411): VSRLVTISKD[Pro401Leu]YEACDGAHAV